The following is an entry in ClinVar:

NM_000214.3(JAG1):c.2318del (p.Gly773fs)

Gene: JAG1 (jagged canonical Notch ligand 1; minus strand). Cytogenetic location: 20p12.2.
Variant type: Deletion.
Coding change: c.2318del on transcript NM_000214.3 (MANE Select); coding-DNA position 2318, one base deleted (G; older notation c.2318delG).
Protein change: p.Gly773fs; shifts the reading frame from glycine 773.
Molecular consequence: frameshift variant.
Genome position (GRCh38, 1-based): chr20:10,644,889, C deleted on the plus strand (G on the coding strand, the reverse complement: JAG1 is on the minus strand); the first of 2 consecutive C bases (chr20:10,644,889-10,644,890); deleting either gives the same sequence. VCF-style (leftmost placement, unchanged base first): chr20-10644888-GC-G. GRCh37 (hg19) VCF-style: chr20-10625536-GC-G.
Other names: short protein forms G773fs.
Identifiers: ClinVar variation 1075491 (VCV001075491.7), dbSNP rs2122602312, ClinGen allele CA2499225666.

ClinVar aggregate classification (germline): Pathogenic (1 of 4 stars; one submission).

Conditions:
Alagille syndrome due to a JAG1 point mutation. Also called: HEPATIC DUCTULAR HYPOPLASIA, SYNDROMATIC; JAG1-Related Alagille Syndrome; Alagille Syndrome 1. Identifiers: Orphanet 261619, Orphanet 52, MedGen C1956125, MONDO:0016862, OMIM 118450.

Submission:

Labcorp Genetics (formerly Invitae), Labcorp
Classification: Pathogenic for Alagille syndrome due to a JAG1 point mutation. Last evaluated: 2020-08-04. Review status: criteria provided, single submitter. Criteria: Invitae Variant Classification Sherloc (09022015). Collection method: clinical testing. Allele origin: germline.
Comment: For these reasons, this variant has been classified as Pathogenic. Loss-of-function variants in JAG1 are known to be pathogenic (PMID: 11180599). This variant has not been reported in the literature in individuals with JAG1-related conditions. This variant is not present in population databases (ExAC no frequency). This sequence change creates a premature translational stop signal (p.Gly773Alafs*47) in the JAG1 gene. It is expected to result in an absent or disrupted protein product.

Literature cited by the submitters: PubMed 11180599.